The following is an entry in ClinVar:

NM_005445.4(SMC3):c.3022G>C (p.Asp1008His)

Gene: SMC3 (structural maintenance of chromosomes 3; plus strand). Cytogenetic location: 10q25.2.
Variant type: single nucleotide variant.
Coding change: c.3022G>C on transcript NM_005445.4 (MANE Select); coding-DNA position 3022, G replaced by C.
Protein change: p.Asp1008His; replaces aspartic acid 1008 with histidine.
Molecular consequence: missense variant.
Genome position (GRCh38, 1-based): chr10:110,602,095, G>C. VCF-style: chr10-110602095-G-C. GRCh37 (hg19) VCF-style: chr10-112361853-G-C.
Other names: short protein forms D1008H.
Identifiers: ClinVar variation 2633509 (VCV002633509.2), dbSNP rs2493148469, ClinGen allele CA378394276.
Genomic context (GRCh38, chr10:110,602,095, plus strand): 5'-GATCAGTTTGTAAATTTCTCCGAGCAGAAAGAAAAGTTAATAAAGCGTCAAGAAGAGTTA[G>C]ATAGGGGTTACAAATCAATCATGGAACTGATGAATGTACTTGAACTTCGGAAATATGAAG-3'
Protein context (NP_005436.1, residues 998-1018): EKLIKRQEEL[Asp1008His]RGYKSIMELM

ClinVar aggregate classification (germline): Uncertain significance. Review status: criteria provided, multiple submitters, no conflicts (2 of 4 stars). 2 submissions from 2 submitters: Uncertain significance (2). Last evaluated 2025-11-07.

Conditions:
SMC3-related disorder. Also called: SMC3-related condition.

Allele frequency attached by ClinVar (database versions not stated): gnomAD exomes below 0.00001.
gnomAD v4.1: 1 of 1,613,820 alleles (0.000062%); highest among the groups gnomAD compares: Non-Finnish European, 0.000085%; no homozygotes.

Submissions (2):

Women's Health and Genetics/Laboratory Corporation of America, LabCorp
Classification: Uncertain significance. Last evaluated: 2025-11-07. Review status: criteria provided, single submitter. Criteria: LabCorp Variant Classification Summary - May 2015. Collection method: clinical testing. Allele origin: germline.
Comment: Variant summary: SMC3 c.3022G>C (p.Asp1008His) results in a non-conservative amino acid change in the encoded protein sequence. Algorithms developed to predict the effect of missense changes on protein structure and function all suggest that this variant is likely to be disruptive. The variant was absent in 251110 control chromosomes. The available data on variant occurrences in the general population are insufficient to allow any conclusion about variant significance. To our knowledge, no occurrence of c.3022G>C in individuals affected with SMC3-related conditions and no experimental evidence demonstrating its impact on protein function have been reported. ClinVar contains an entry for this variant (Variation ID: 2633509). Based on the evidence outlined above, the variant was classified as uncertain significance.

PreventionGenetics, part of Exact Sciences
Classification: Uncertain significance for SMC3-related condition. Last evaluated: 2023-03-28. Review status: criteria provided, single submitter. Criteria: ACMG Guidelines, 2015. Collection method: clinical testing. Allele origin: germline.
Comment: The SMC3 c.3022G>C variant is predicted to result in the amino acid substitution p.Asp1008His. To our knowledge, this variant has not been reported in the literature or in a large population database, indicating this variant is rare. At this time, the clinical significance of this variant is uncertain due to the absence of conclusive functional and genetic evidence.